The following is an entry in ClinVar:

ClinVar aggregate classification (germline): Uncertain significance (1 of 4 stars; one submission).

Conditions:
Inborn genetic diseases. Identifiers: MedGen C0950123, MeSH D030342.

Submission:

Ambry Genetics
Classification: Uncertain significance for Inborn genetic diseases. Last evaluated: 2024-10-08. Review status: criteria provided, single submitter. Criteria: Ambry Variant Classification Scheme 2023. Collection method: clinical testing. Allele origin: germline.
Comment: The p.V961A variant (also known as c.2882T>C), located in coding exon 20 of the LTBP3 gene, results from a T to C substitution at nucleotide position 2882. The valine at codon 961 is replaced by alanine, an amino acid with similar properties. This amino acid position is conserved. In addition, the in silico prediction for this alteration is inconclusive. Based on the available evidence, the clinical significance of this variant remains unclear.

NM_001130144.3(LTBP3):c.2882T>C (p.Val961Ala)

Genes: LTBP3 (latent transforming growth factor beta binding protein 3; minus strand), LOC130006028 (ATAC-STARR-seq lymphoblastoid active region 4987; plus strand). Cytogenetic location: 11q13.1.
Variant type: single nucleotide variant.
Coding change: c.2882T>C on transcript NM_001130144.3 (MANE Select); coding-DNA position 2882, T replaced by C.
Protein change: p.Val961Ala; replaces valine 961 with alanine.
Molecular consequence: missense variant.
Genome position (GRCh38, 1-based): chr11:65,541,137, A>G on the plus strand (T>C on the coding strand, the complement: LTBP3 is on the minus strand). VCF-style: chr11-65541137-A-G. GRCh37 (hg19) VCF-style: chr11-65308608-A-G.
Other names: c.2531T>C, p.Val844Ala (NM_001164266.1); c.2882T>C, p.Val961Ala (NM_021070.4); short protein forms V844A, V961A.
Identifiers: ClinVar variation 3541084 (VCV003541084.1).